The following is an entry in ClinVar:

NM_001211.6(BUB1B):c.2680A>G (p.Ile894Val)

Genes: BUB1B (BUB1 mitotic checkpoint serine/threonine kinase B; plus strand), BUB1B-PAK6 (BUB1B-PAK6 readthrough; plus strand). Cytogenetic location: 15q15.1.
Variant type: single nucleotide variant.
Coding change: c.2680A>G on transcript NM_001211.6 (MANE Select); coding-DNA position 2680, A replaced by G.
Protein change: p.Ile894Val; replaces isoleucine 894 with valine.
Molecular consequence: missense variant. On other transcripts: 5 prime UTR variant (2).
Genome position (GRCh38, 1-based): chr15:40,217,497, A>G. VCF-style: chr15-40217497-A-G. GRCh37 (hg19) VCF-style: chr15-40509698-A-G.
Other names: c.-371A>G (NM_001128628.3); c.-288A>G (NM_001128629.3); short protein forms I894V.
Identifiers: ClinVar variation 3483150 (VCV003483150.1).
Genomic context (GRCh38, chr15:40,217,497, plus strand): 5'-CTATGCAGCTTCTTTCATGGCCTATTTTTATTATCTCCTTCTCTTAAATCTGGGCTCAGA[A>G]TCCACGATCCCTATGATTGTAACAAGAACAATCAAGCTTTGAAGATAGTGGACTTTTCCT-3'
Protein context (NP_001202.5, residues 884-904): SPRCLILRNR[Ile894Val]HDPYDCNKNN

ClinVar aggregate classification (germline): Uncertain significance (1 of 4 stars; one submission).

Conditions:
Inborn genetic diseases. Identifiers: MedGen C0950123, MeSH D030342.

Submission:

Ambry Genetics
Classification: Uncertain significance for Inborn genetic diseases. Last evaluated: 2024-07-05. Review status: criteria provided, single submitter. Criteria: Ambry Variant Classification Scheme 2023. Collection method: clinical testing. Allele origin: germline.
Comment: The p.I894V variant (also known as c.2680A>G), located in coding exon 21 of the BUB1B gene, results from an A to G substitution at nucleotide position 2680. The isoleucine at codon 894 is replaced by valine, an amino acid with highly similar properties. This amino acid position is conserved. In addition, this alteration is predicted to be tolerated by in silico analysis. Based on the available evidence, the clinical significance of this variant remains unclear.